The following is an entry in ClinVar:

NM_001198800.3(ASCC1):c.383G>A (p.Arg128Gln)

Gene: ASCC1 (activating signal cointegrator 1 complex subunit 1; minus strand). Cytogenetic location: 10q22.1.
Variant type: single nucleotide variant.
Coding change: c.383G>A on transcript NM_001198800.3 (MANE Select); coding-DNA position 383, G replaced by A.
Protein change: p.Arg128Gln; replaces arginine 128 with glutamine.
Molecular consequence: missense variant. On other transcripts: non-coding transcript variant (1).
Genome position (GRCh38, 1-based): chr10:72,196,917, C>T on the plus strand (G>A on the coding strand, the complement: ASCC1 is on the minus strand). VCF-style: chr10-72196917-C-T. GRCh37 (hg19) VCF-style: chr10-73956675-C-T.
Other names: c.383G>A, p.Arg128Gln (NM_001369103.1, NM_001369104.1, NM_001369108.1 and 18 more transcripts); c.266G>A, p.Arg89Gln (NM_001369105.1, NM_001369106.1, NM_001369107.1 and 2 more transcripts); c.467G>A, p.Arg156Gln (NM_001198799.3); c.449G>A, p.Arg150Gln (NM_001369085.1, NM_001369086.1, NM_001369099.1); short protein forms R128Q, R89Q, R150Q, R156Q.
Identifiers: ClinVar variation 2986797 (VCV002986797.3), dbSNP rs753419523, ClinGen allele CA5549029.
Genomic context (GRCh38, chr10:72,196,917, plus strand): 5'-TCCTGAACCTCAACTTCATTGAGGAAAAAGGCAAGGAAGTGAGTGAAGGGCTGCTTTCTT[C>T]GAAAAGTGTCCAAAAGAACATCAATCCGTGTTCGGGCTGAAATTACACCATTTCGATGCT-3'
Protein context (NP_001185729.1, residues 118-138): TRIDVLLDTF[Arg128Gln]RKQPFTHFLA

ClinVar aggregate classification (germline): Uncertain significance (1 of 4 stars; one submission).

Allele frequency attached by ClinVar (database versions not stated): gnomAD exomes 0.00001; ExAC 0.00001.
gnomAD v4.1: 19 of 1,613,462 alleles (0.0012%); highest among the groups gnomAD compares: Admixed American, 0.01%; no homozygotes.

Submission:

Labcorp Genetics (formerly Invitae), Labcorp
Classification: Uncertain significance. Last evaluated: 2025-06-02. Review status: criteria provided, single submitter. Criteria: Invitae Variant Classification Sherloc (09022015). Collection method: clinical testing. Allele origin: germline.
Comment: This sequence change replaces arginine, which is basic and polar, with glutamine, which is neutral and polar, at codon 128 of the ASCC1 protein (p.Arg128Gln). This variant is present in population databases (rs753419523, gnomAD 0.0009%). This variant has not been reported in the literature in individuals affected with ASCC1-related conditions. ClinVar contains an entry for this variant (Variation ID: 2986797). Invitae Evidence Modeling of protein sequence and biophysical properties (such as structural, functional, and spatial information, amino acid conservation, physicochemical variation, residue mobility, and thermodynamic stability) indicates that this missense variant is not expected to disrupt ASCC1 protein function with a negative predictive value of 80%. In summary, the available evidence is currently insufficient to determine the role of this variant in disease. Therefore, it has been classified as a Variant of Uncertain Significance.